The following is an entry in ClinVar:

ClinVar aggregate classification (germline): Uncertain significance (1 of 4 stars; one submission).

Conditions:
Hereditary cancer-predisposing syndrome. Also called: Neoplastic Syndromes, Hereditary; Hereditary Cancer Syndrome; Tumor predisposition; Hereditary neoplastic syndrome. Identifiers: Orphanet 140162, MedGen C0027672, MeSH D009386, MONDO:0015356.

Submission:

Ambry Genetics
Classification: Uncertain significance for Hereditary cancer-predisposing syndrome. Last evaluated: 2024-12-12. Review status: criteria provided, single submitter. Criteria: Ambry Variant Classification Scheme 2023. Collection method: clinical testing. Allele origin: germline.
Comment: The p.A173S variant (also known as c.517G>T), located in coding exon 5 of the TSC1 gene, results from a G to T substitution at nucleotide position 517. The alanine at codon 173 is replaced by serine, an amino acid with similar properties. This amino acid position is conserved. In addition, this alteration is predicted to be tolerated by in silico analysis. Based on the available evidence, the clinical significance of this variant remains unclear.

NM_000368.5(TSC1):c.517G>T (p.Ala173Ser)

Gene: TSC1 (TSC complex subunit 1; minus strand). Cytogenetic location: 9q34.13.
Variant type: single nucleotide variant.
Coding change: c.517G>T on transcript NM_000368.5 (MANE Select); coding-DNA position 517, G replaced by T.
Protein change: p.Ala173Ser; replaces alanine 173 with serine.
Molecular consequence: missense variant. On other transcripts: 5 prime UTR variant (5), non-coding transcript variant (5).
Genome position (GRCh38, 1-based): chr9:132,921,965, C>A on the plus strand (G>T on the coding strand, the complement: TSC1 is on the minus strand). VCF-style: chr9-132921965-C-A. GRCh37 (hg19) VCF-style: chr9-135797352-C-A.
Other names: c.154G>T, p.Ala52Ser (NM_001406616.1, NM_001406617.1, NM_001406618.1 and 10 more transcripts); c.-361G>T (NM_001406626.1, NM_001406627.1, NM_001406628.1); c.-503G>T (NM_001406629.1); c.-577G>T (NM_001406630.1); c.517G>T, p.Ala173Ser (NM_001162426.2, NM_001406592.1, NM_001406593.1 and 16 more transcripts); c.364G>T, p.Ala122Ser (NM_001162427.2, NM_001406610.1, NM_001406611.1 and 2 more transcripts); short protein forms A122S, A173S, A52S.
Identifiers: ClinVar variation 3811230 (VCV003811230.1).